The following is an entry in ClinVar:

NM_017565.4(FAM20A):c.1310del (p.Arg437fs)

Genes: FAM20A (FAM20A golgi associated secretory pathway pseudokinase; minus strand), PRKAR1A (protein kinase cAMP-dependent type I regulatory subunit alpha; plus strand). Cytogenetic location: 17q24.2.
Variant type: Deletion.
Coding change: c.1310del on transcript NM_017565.4 (MANE Select); coding-DNA position 1310, one base deleted (G; older notation c.1310delG).
Protein change: p.Arg437fs; shifts the reading frame from arginine 437.
Molecular consequence: frameshift variant. On other transcripts: non-coding transcript variant (1), intron variant (1).
Genome position (GRCh38, 1-based): chr17:68,539,388, C deleted on the plus strand (G on the coding strand, the reverse complement: FAM20A is on the minus strand). VCF-style (leftmost placement, unchanged base first): chr17-68539387-TC-T. GRCh37 (hg19) VCF-style: chr17-66535528-TC-T.
Other names: c.896del, p.Arg299fs (NM_001243746.2); c.973+9387del (NM_001276290.1); short protein forms R437fs, R299fs.
Identifiers: ClinVar variation 4694384 (VCV004694384.1).

ClinVar aggregate classification (germline): Pathogenic (1 of 4 stars; one submission).

Submission:

Labcorp Genetics (formerly Invitae), Labcorp
Classification: Pathogenic. Last evaluated: 2025-07-27. Review status: criteria provided, single submitter. Criteria: Invitae Variant Classification Sherloc (09022015). Collection method: clinical testing. Allele origin: germline.
Comment: This sequence change creates a premature translational stop signal (p.Arg437Hisfs*18) in the FAM20A gene. While this is not anticipated to result in nonsense mediated decay, it is expected to disrupt the last 105 amino acid(s) of the FAM20A protein. This variant is present in population databases (rs780415641, gnomAD 0.006%). This variant has not been reported in the literature in individuals affected with FAM20A-related conditions. This variant disrupts a region of the FAM20A protein in which other variant(s) (p.Leu495Asnfs*15) have been determined to be pathogenic (PMID: 23434854). This suggests that this is a clinically significant region of the protein, and that variants that disrupt it are likely to be disease-causing. For these reasons, this variant has been classified as Pathogenic.

Literature cited by the submitters: PubMed 23434854.